The following is an entry in ClinVar:

NM_014423.4(AFF4):c.2516C>G (p.Ser839Cys)

Gene: AFF4 (ALF transcription elongation factor 4; minus strand). Cytogenetic location: 5q31.1.
Variant type: single nucleotide variant.
Coding change: c.2516C>G on transcript NM_014423.4 (MANE Select); coding-DNA position 2516, C replaced by G.
Protein change: p.Ser839Cys; replaces serine 839 with cysteine.
Molecular consequence: missense variant.
Genome position (GRCh38, 1-based): chr5:132,892,285, G>C on the plus strand (C>G on the coding strand, the complement: AFF4 is on the minus strand). VCF-style: chr5-132892285-G-C. GRCh37 (hg19) VCF-style: chr5-132227977-G-C.
Other names: short protein forms S839C.
Identifiers: ClinVar variation 2632836 (VCV002632836.2), dbSNP rs774046938, ClinGen allele CA3408908.

ClinVar aggregate classification (germline): Uncertain significance. Review status: criteria provided, multiple submitters, no conflicts (2 of 4 stars). 2 submissions from 2 submitters: Uncertain significance (2). Last evaluated 2024-07-14.

Conditions:
AFF4-related disorder. Also called: AFF4-related condition.
Inborn genetic diseases. Identifiers: MedGen C0950123, MeSH D030342.

Allele frequency attached by ClinVar (database versions not stated): ExAC 0.00001; gnomAD 0.00003; TOPMed 0.00003.
gnomAD v4.1: 8 of 1,613,976 alleles (0.0005%); highest among the groups gnomAD compares: African/African-American, 0.011%; no homozygotes.

Submissions (2):

Ambry Genetics
Classification: Uncertain significance for Inborn genetic diseases. Last evaluated: 2024-07-14. Review status: criteria provided, single submitter. Criteria: Ambry Variant Classification Scheme 2023. Collection method: clinical testing. Allele origin: germline.

PreventionGenetics, part of Exact Sciences
Classification: Uncertain significance for AFF4-related condition. Last evaluated: 2023-05-03. Review status: criteria provided, single submitter. Criteria: ACMG Guidelines, 2015. Collection method: clinical testing. Allele origin: germline.
Comment: The AFF4 c.2516C>G variant is predicted to result in the amino acid substitution p.Ser839Cys. To our knowledge, this variant has not been reported in the literature. This variant is reported in 0.0062% of alleles in individuals of African descent in gnomAD. At this time, the clinical significance of this variant is uncertain due to the absence of conclusive functional and genetic evidence.